The following is an entry in ClinVar:

ClinVar aggregate classification (germline): Uncertain significance. Review status: criteria provided, multiple submitters, no conflicts (2 of 4 stars). 2 submissions from 2 submitters: Uncertain significance (2). Last evaluated 2024-11-24.

Conditions:
Pulmonary hypertension, primary, 1 (PPH1). Also called: Pulmonary hypertension, familial primary, 1, with or without HHT. Identifiers: Orphanet 422, MedGen C4552070, MONDO:0024533, OMIM 178600.
Pulmonary venoocclusive disease 1 (PVOD1). Also called: Pulmonary venoocclusive disease 1, autosomal dominant. Identifiers: Orphanet 31837, MedGen C3887658, MONDO:0020713, OMIM 265450.
Inborn genetic diseases. Identifiers: MedGen C0950123, MeSH D030342.

gnomAD v4.1: 5 of 1,614,166 alleles (0.00031%); highest among the groups gnomAD compares: Non-Finnish European, 0.00034%; no homozygotes.

Submissions (2):

Ambry Genetics
Classification: Uncertain significance for Inborn genetic diseases. Last evaluated: 2024-11-24. Review status: criteria provided, single submitter. Criteria: Ambry Variant Classification Scheme 2023. Collection method: clinical testing. Allele origin: germline.
Comment: The p.S568F variant (also known as c.1703C>T), located in coding exon 12 of the BMPR2 gene, results from a C to T substitution at nucleotide position 1703. The serine at codon 568 is replaced by phenylalanine, an amino acid with highly dissimilar properties. This amino acid position is conserved. In addition, the in silico prediction for this alteration is inconclusive. Based on the available evidence, the clinical significance of this variant remains unclear.

Fulgent Genetics
Classification: Uncertain significance for Pulmonary hypertension, primary, 1; Pulmonary venoocclusive disease 1. Last evaluated: 2024-06-12. Review status: criteria provided, single submitter. Criteria: ACMG Guidelines, 2015. Collection method: clinical testing. Allele origin: germline.

NM_001204.7(BMPR2):c.1703C>T (p.Ser568Phe)

Gene: BMPR2 (bone morphogenetic protein receptor type 2; plus strand). Cytogenetic location: 2q33.2.
Variant type: single nucleotide variant.
Coding change: c.1703C>T on transcript NM_001204.7 (MANE Select); coding-DNA position 1703, C replaced by T.
Protein change: p.Ser568Phe; replaces serine 568 with phenylalanine.
Molecular consequence: missense variant.
Genome position (GRCh38, 1-based): chr2:202,555,368, C>T. VCF-style: chr2-202555368-C-T. GRCh37 (hg19) VCF-style: chr2-203420091-C-T.
Other names: short protein forms S568F.
Identifiers: ClinVar variation 3481291 (VCV003481291.2).